The following is an entry in ClinVar:

NM_002458.3(MUC5B):c.11083A>G (p.Lys3695Glu)

Genes: MUC5B (mucin 5B, oligomeric mucus/gel-forming; plus strand), MUC5B-AS1 (MUC5B antisense RNA 1; minus strand). Cytogenetic location: 11p15.5.
Variant type: single nucleotide variant.
Coding change: c.11083A>G on transcript NM_002458.3 (MANE Select); coding-DNA position 11083, A replaced by G.
Protein change: p.Lys3695Glu; replaces lysine 3695 with glutamic acid.
Molecular consequence: missense variant.
Genome position (GRCh38, 1-based): chr11:1,247,963, A>G. VCF-style: chr11-1247963-A-G. GRCh37 (hg19) VCF-style: chr11-1269193-A-G.
Other names: short protein forms K3695E.
Identifiers: ClinVar variation 2641271 (VCV002641271.24), dbSNP rs2943522, ClinGen allele CA5807528.

ClinVar aggregate classification (germline): Likely benign (1 of 4 stars; one submission).

Allele frequency attached by ClinVar (database versions not stated): 1000 Genomes Project 0.00080.

Submission:

CeGaT Center for Human Genetics Tuebingen
Classification: Likely benign. Last evaluated: 2026-09-01. Review status: criteria provided, single submitter. Criteria: CeGaT Center For Human Genetics Tuebingen Variant Classification Criteria Version 2. Collection method: clinical testing. Allele origin: germline. Affected: yes. Observed: 2 variant alleles.
Comment: MUC5B: BP4, BS1